The following is an entry in ClinVar:

NM_004183.4(BEST1):c.890C>A (p.Pro297His)

Gene: BEST1 (bestrophin 1; plus strand). Cytogenetic location: 11q12.3.
Variant type: single nucleotide variant.
Coding change: c.890C>A on transcript NM_004183.4 (MANE Select); coding-DNA position 890, C replaced by A.
Protein change: p.Pro297His; replaces proline 297 with histidine.
Molecular consequence: missense variant. On other transcripts: non-coding transcript variant (1), intron variant (1).
Genome position (GRCh38, 1-based): chr11:61,959,520, C>A. VCF-style: chr11-61959520-C-A. GRCh37 (hg19) VCF-style: chr11-61726992-C-A.
Other names: c.710C>A, p.Pro237His (NM_001139443.3, NM_001300787.2); c.572C>A, p.Pro191His (NM_001363591.3); c.1093C>A, p.Pro365Thr (NM_001363592.2); c.-83C>A (NM_001363593.3); c.688-372C>A (NM_001300786.2); short protein forms P191H, P297H, P237H, P365T.
Identifiers: ClinVar variation 1351735 (VCV001351735.6), dbSNP rs2134453263, ClinGen allele CA380843771.

ClinVar aggregate classification (germline): Pathogenic (1 of 4 stars; one submission).

Submission:

Labcorp Genetics (formerly Invitae), Labcorp
Classification: Pathogenic. Last evaluated: 2025-12-30. Review status: criteria provided, single submitter. Criteria: Invitae Variant Classification Sherloc (09022015). Collection method: clinical testing. Allele origin: germline.
Comment: This sequence change replaces proline, which is neutral and non-polar, with histidine, which is basic and polar, at codon 297 of the BEST1 protein (p.Pro297His). This variant is not present in population databases (gnomAD no frequency). This missense change has been observed in individuals with autosomal dominant Best vitelliform macular dystrophy (internal data). ClinVar contains an entry for this variant (Variation ID: 1351735). Invitae Evidence Modeling of protein sequence and biophysical properties (such as structural, functional, and spatial information, amino acid conservation, physicochemical variation, residue mobility, and thermodynamic stability) indicates that this missense variant is expected to disrupt BEST1 protein function with a positive predictive value of 95%. This variant disrupts the p.Pro297 amino acid residue in BEST1. Other variant(s) that disrupt this residue have been determined to be pathogenic (PMID: 13129869). This suggests that this residue is clinically significant, and that variants that disrupt this residue are likely to be disease-causing. For these reasons, this variant has been classified as Pathogenic.

Literature cited by the submitters: PubMed 13129869.